The following is an entry in ClinVar:

ClinVar aggregate classification (germline): Pathogenic (1 of 4 stars; one submission).

Submission:

Labcorp Genetics (formerly Invitae), Labcorp
Classification: Pathogenic. Last evaluated: 2023-12-13. Review status: criteria provided, single submitter. Criteria: Invitae Variant Classification Sherloc (09022015). Collection method: clinical testing. Allele origin: unknown.
Comment: This variant is a gross deletion of the genomic region encompassing exon(s) 4-5 of the IL1RAPL1 gene. This deletion is out-of-frame, and is expected to create a premature termination codon and result in an absent or disrupted protein product. Loss-of-function variants in IL1RAPL1 are known to be pathogenic (PMID: 18801879, 19012350, 25167861). This variant has not been reported in the literature in individuals affected with IL1RAPL1-related conditions. For these reasons, this variant has been classified as Pathogenic.

Literature cited by the submitters: PubMed 18801879; PubMed 19012350; PubMed 25167861.

NC_000023.10:g.(?_29414355)_(29417445_?)del

Gene: IL1RAPL1 (interleukin 1 receptor accessory protein like 1; plus strand). Cytogenetic location: Xp21.2.
Variant type: Deletion.
Identifiers: ClinVar variation 3246718 (VCV003246718.1).